The following is an entry in ClinVar:

ClinVar aggregate classification (germline): Uncertain significance (1 of 4 stars; one submission).

Submission:

GeneDx
Classification: Uncertain significance. Last evaluated: 2026-02-09. Review status: criteria provided, single submitter. Criteria: GeneDx Variant Classification Process June 2021. Collection method: clinical testing. Allele origin: germline.
Comment: Not observed at significant frequency in large population cohorts (gnomAD); In silico analysis supports that this missense variant has a deleterious effect on protein structure/function; Has not been previously published as pathogenic or benign to our knowledge

NM_001080421.3(UNC13A):c.1901G>A (p.Arg634Gln)

Gene: UNC13A (unc-13 homolog A; minus strand). Cytogenetic location: 19p13.11.
Variant type: single nucleotide variant.
Coding change: c.1901G>A on transcript NM_001080421.3 (MANE Select); coding-DNA position 1901, G replaced by A.
Protein change: p.Arg634Gln; replaces arginine 634 with glutamine.
Molecular consequence: missense variant.
Genome position (GRCh38, 1-based): chr19:17,647,408, C>T on the plus strand (G>A on the coding strand, the complement: UNC13A is on the minus strand). VCF-style: chr19-17647408-C-T. GRCh37 (hg19) VCF-style: chr19-17758217-C-T.
Other names: c.1895G>A, p.Arg632Gln (NM_001387021.1, NM_001387022.1, NM_001387023.1); short protein forms R632Q, R634Q.
Identifiers: ClinVar variation 4976527 (VCV004976527.1).